The following is an entry in ClinVar:

ClinVar aggregate classification (germline): Uncertain significance (1 of 4 stars; one submission).

Conditions:
Inborn genetic diseases. Identifiers: MedGen C0950123, MeSH D030342.

Submission:

Ambry Genetics
Classification: Uncertain significance for Inborn genetic diseases. Last evaluated: 2026-05-31. Review status: criteria provided, single submitter. Criteria: Ambry Variant Classification Scheme 2023. Collection method: clinical testing. Allele origin: germline.
Comment: The p.H366R variant (also known as c.1097A>G), located in coding exon 5 of the SH2B3 gene, results from an A to G substitution at nucleotide position 1097. The histidine at codon 366 is replaced by arginine, an amino acid with highly similar properties. This amino acid position is conserved. In addition, this alteration is predicted to be deleterious by in silico analysis. Based on the available evidence, the clinical significance of this variant remains unclear.

NM_005475.3(SH2B3):c.1097A>G (p.His366Arg)

Gene: SH2B3 (SH2B adaptor protein 3; plus strand). Cytogenetic location: 12q24.12.
Variant type: single nucleotide variant.
Coding change: c.1097A>G on transcript NM_005475.3 (MANE Select); coding-DNA position 1097, A replaced by G.
Protein change: p.His366Arg; replaces histidine 366 with arginine.
Molecular consequence: missense variant.
Genome position (GRCh38, 1-based): chr12:111,447,405, A>G. VCF-style: chr12-111447405-A-G. GRCh37 (hg19) VCF-style: chr12-111885209-A-G.
Other names: c.491A>G, p.His164Arg (NM_001291424.1); short protein forms H164R, H366R.
Identifiers: ClinVar variation 4864458 (VCV004864458.1).